The following is an entry in ClinVar:

NM_001363711.2(DUOX2):c.1517A>G (p.Asp506Gly)

Gene: DUOX2 (dual oxidase 2; minus strand). Cytogenetic location: 15q21.1.
Variant type: single nucleotide variant.
Coding change: c.1517A>G on transcript NM_001363711.2 (MANE Select); coding-DNA position 1517, A replaced by G.
Protein change: p.Asp506Gly; replaces aspartic acid 506 with glycine.
Molecular consequence: missense variant.
Genome position (GRCh38, 1-based): chr15:45,108,104, T>C on the plus strand (A>G on the coding strand, the complement: DUOX2 is on the minus strand). VCF-style: chr15-45108104-T-C. GRCh37 (hg19) VCF-style: chr15-45400302-T-C.
Other names: c.1517A>G, p.Asp506Gly (NM_014080.5); short protein forms D506G.
Identifiers: ClinVar variation 2103243 (VCV002103243.4), dbSNP rs2504772823, ClinGen allele CA392276467.

ClinVar aggregate classification (germline): Uncertain significance (1 of 4 stars; one submission).

Submission:

Labcorp Genetics (formerly Invitae), Labcorp
Classification: Uncertain significance. Last evaluated: 2022-03-20. Review status: criteria provided, single submitter. Criteria: Invitae Variant Classification Sherloc (09022015). Collection method: clinical testing. Allele origin: germline.
Comment: In summary, the available evidence is currently insufficient to determine the role of this variant in disease. Therefore, it has been classified as a Variant of Uncertain Significance. Advanced modeling of protein sequence and biophysical properties (such as structural, functional, and spatial information, amino acid conservation, physicochemical variation, residue mobility, and thermodynamic stability) performed at Invitae indicates that this missense variant is not expected to disrupt DUOX2 protein function. This variant has not been reported in the literature in individuals affected with DUOX2-related conditions. This variant is not present in population databases (gnomAD no frequency). This sequence change replaces aspartic acid, which is acidic and polar, with glycine, which is neutral and non-polar, at codon 506 of the DUOX2 protein (p.Asp506Gly).